The following is an entry in ClinVar:

NM_006269.2(RP1):c.2063G>T (p.Gly688Val)

Gene: RP1 (RP1 axonemal microtubule associated; plus strand). Cytogenetic location: 8q12.1.
Variant type: single nucleotide variant.
Coding change: c.2063G>T on transcript NM_006269.2 (MANE Select); coding-DNA position 2063, G replaced by T.
Protein change: p.Gly688Val; replaces glycine 688 with valine.
Molecular consequence: missense variant. On other transcripts: intron variant (1).
Genome position (GRCh38, 1-based): chr8:54,625,945, G>T. VCF-style: chr8-54625945-G-T. GRCh37 (hg19) VCF-style: chr8-55538505-G-T.
Other names: c.787+3657G>T (NM_001375654.1); short protein forms G688V.
Identifiers: ClinVar variation 960869 (VCV000960869.10), dbSNP rs778260802, ClinGen allele CA370992647.

ClinVar aggregate classification (germline): Uncertain significance. Review status: criteria provided, multiple submitters, no conflicts (2 of 4 stars). 2 submissions from 2 submitters: Uncertain significance (2). Last evaluated 2022-01-06.

Submissions (2):

Blueprint Genetics
Classification: Uncertain significance. Last evaluated: 2022-01-06. Review status: criteria provided, single submitter. Criteria: ACMG Guidelines, 2015. Collection method: clinical testing. Allele origin: germline.

Labcorp Genetics (formerly Invitae), Labcorp
Classification: Uncertain significance. Last evaluated: 2019-07-07. Review status: criteria provided, single submitter. Criteria: Invitae Variant Classification Sherloc (09022015). Collection method: clinical testing. Allele origin: germline.
Comment: This variant has not been reported in the literature in individuals with RP1-related conditions. In summary, the available evidence is currently insufficient to determine the role of this variant in disease. Therefore, it has been classified as a Variant of Uncertain Significance. Algorithms developed to predict the effect of missense changes on protein structure and function (SIFT, PolyPhen-2, Align-GVGD) all suggest that this variant is likely to be tolerated, but these predictions have not been confirmed by published functional studies and their clinical significance is uncertain. This variant is not present in population databases (ExAC no frequency). This sequence change replaces glycine with valine at codon 688 of the RP1 protein (p.Gly688Val). The glycine residue is weakly conserved and there is a moderate physicochemical difference between glycine and valine.